The following is an entry in ClinVar:

NM_001376.5(DYNC1H1):c.8965A>G (p.Lys2989Glu)

Genes: DYNC1H1 (dynein cytoplasmic 1 heavy chain 1; plus strand), LOC126862060 (BRD4-independent group 4 enhancer GRCh37_chr14:102493659-102494858; plus strand). Cytogenetic location: 14q32.31.
Variant type: single nucleotide variant.
Coding change: c.8965A>G on transcript NM_001376.5 (MANE Select); coding-DNA position 8965, A replaced by G.
Protein change: p.Lys2989Glu; replaces lysine 2989 with glutamic acid.
Molecular consequence: missense variant.
Genome position (GRCh38, 1-based): chr14:102,027,461, A>G. VCF-style: chr14-102027461-A-G. GRCh37 (hg19) VCF-style: chr14-102493798-A-G.
Other names: short protein forms K2989E.
Identifiers: ClinVar variation 1966426 (VCV001966426.5), dbSNP rs2503804332, ClinGen allele CA391010767.

ClinVar aggregate classification (germline): Uncertain significance (1 of 4 stars; one submission).

Conditions:
Charcot-Marie-Tooth disease axonal type 2O. Also called: CHARCOT-MARIE-TOOTH NEUROPATHY, AXONAL, TYPE 2O; CHARCOT-MARIE-TOOTH DISEASE, AXONAL, AUTOSOMAL DOMINANT, TYPE 2O; Charcot-Marie-Tooth Neuropathy Type 2O; Charcot-Marie-Tooth disease, axonal, type 20. Identifiers: Orphanet 284232, MedGen C3280220, MONDO:0013644, OMIM 614228.

Submission:

Labcorp Genetics (formerly Invitae), Labcorp
Classification: Uncertain significance for Charcot-Marie-Tooth disease axonal type 2O. Last evaluated: 2022-09-14. Review status: criteria provided, single submitter. Criteria: Invitae Variant Classification Sherloc (09022015). Collection method: clinical testing. Allele origin: germline.
Comment: In summary, the available evidence is currently insufficient to determine the role of this variant in disease. Therefore, it has been classified as a Variant of Uncertain Significance. This sequence change replaces lysine, which is basic and polar, with glutamic acid, which is acidic and polar, at codon 2989 of the DYNC1H1 protein (p.Lys2989Glu). This variant is not present in population databases (gnomAD no frequency). This variant has not been reported in the literature in individuals affected with DYNC1H1-related conditions. Advanced modeling of protein sequence and biophysical properties (such as structural, functional, and spatial information, amino acid conservation, physicochemical variation, residue mobility, and thermodynamic stability) has been performed at Invitae for this missense variant, however the output from this modeling did not meet the statistical confidence thresholds required to predict the impact of this variant on DYNC1H1 protein function.